The following is an entry in ClinVar:

ClinVar aggregate classification (germline): Uncertain significance. Review status: criteria provided, multiple submitters, no conflicts (2 of 4 stars). 2 submissions from 2 submitters: Uncertain significance (2). Last evaluated 2025-08-22.

Conditions:
Hereditary cancer-predisposing syndrome. Also called: Hereditary neoplastic syndrome; Tumor predisposition; Neoplastic Syndromes, Hereditary; Hereditary Cancer Syndrome. Identifiers: Orphanet 140162, MedGen C0027672, MeSH D009386, MONDO:0015356.
Familial cancer of breast. Also called: Hereditary breast cancer; BREAST CANCER, FAMILIAL; hereditary breast carcinoma. Identifiers: Orphanet 227535, MedGen C0346153, MONDO:0016419, OMIM 114480. Disease mechanism: loss of function.
Fanconi anemia complementation group J. Also called: BRIP1-Related Fanconi Anemia. Identifiers: Orphanet 84, MedGen C1836860, MONDO:0012187, OMIM 609054.

Submissions (2):

Ambry Genetics
Classification: Uncertain significance for Hereditary cancer-predisposing syndrome. Last evaluated: 2025-08-22. Review status: criteria provided, single submitter. Criteria: Ambry Variant Classification Scheme 2023. Collection method: clinical testing. Allele origin: germline.
Comment: The p.K52N variant (also known as c.156A>C), located in coding exon 2 of the BRIP1 gene, results from an A to C substitution at nucleotide position 156. The lysine at codon 52 is replaced by asparagine, an amino acid with similar properties. This amino acid position is highly conserved in available vertebrate species. In addition, the in silico prediction for this alteration is inconclusive. Since supporting evidence is limited at this time, the clinical significance of this alteration remains unclear.

Labcorp Genetics (formerly Invitae), Labcorp
Classification: Uncertain significance for Familial cancer of breast; Fanconi anemia complementation group J. Last evaluated: 2024-09-10. Review status: criteria provided, single submitter. Criteria: Invitae Variant Classification Sherloc (09022015). Collection method: clinical testing. Allele origin: germline.
Comment: This sequence change replaces lysine, which is basic and polar, with asparagine, which is neutral and polar, at codon 52 of the BRIP1 protein (p.Lys52Asn). This variant is not present in population databases (gnomAD no frequency). This variant has not been reported in the literature in individuals affected with BRIP1-related conditions. ClinVar contains an entry for this variant (Variation ID: 1482793). Invitae Evidence Modeling of protein sequence and biophysical properties (such as structural, functional, and spatial information, amino acid conservation, physicochemical variation, residue mobility, and thermodynamic stability) indicates that this missense variant is expected to disrupt BRIP1 protein function with a positive predictive value of 80%. In summary, the available evidence is currently insufficient to determine the role of this variant in disease. Therefore, it has been classified as a Variant of Uncertain Significance.

NM_032043.3(BRIP1):c.156A>C (p.Lys52Asn)

Gene: BRIP1 (BRCA1 interacting DNA helicase 1; minus strand). Cytogenetic location: 17q23.2.
Variant type: single nucleotide variant.
Coding change: c.156A>C on transcript NM_032043.3 (MANE Select); coding-DNA position 156, A replaced by C.
Protein change: p.Lys52Asn; replaces lysine 52 with asparagine.
Molecular consequence: missense variant.
Genome position (GRCh38, 1-based): chr17:61,859,845, T>G on the plus strand (A>C on the coding strand, the complement: BRIP1 is on the minus strand). VCF-style: chr17-61859845-T-G. GRCh37 (hg19) VCF-style: chr17-59937206-T-G.
Other names: short protein forms K52N.
Identifiers: ClinVar variation 1482793 (VCV001482793.10), dbSNP rs1603367700, ClinGen allele CA400485751.
Genomic context (GRCh38, chr17:61,859,845, plus strand): 5'-CAACTACTTACCACTAAGAGATTGTTGCCATGCTAAAGCAGAACAAAGTAAGGCTAAGCT[T>G]TTTCCACTTCCTGTGGGACTCTCCAACAAACAATGTTGCTTGCTGTTTAATCCTCTGAGA-3'
Protein context (NP_114432.2, residues 42-62): CLLESPTGSG[Lys52Asn]SLALLCSALA